The following is an entry in ClinVar:

ClinVar aggregate classification (germline): Uncertain significance (1 of 4 stars; one submission).

Conditions:
Hereditary spastic paraplegia 4. Also called: Spastic paraplegia 4, autosomal dominant; Familial spastic paraplegia autosomal dominant 2; Spastic Paraplegia 4. Identifiers: Orphanet 100985, MedGen C1866855, MONDO:0008438, OMIM 182601.

Submission:

Labcorp Genetics (formerly Invitae), Labcorp
Classification: Uncertain significance for Hereditary spastic paraplegia 4. Last evaluated: 2022-11-12. Review status: criteria provided, single submitter. Criteria: Invitae Variant Classification Sherloc (09022015). Collection method: clinical testing. Allele origin: unknown.
Comment: In summary, the available evidence is currently insufficient to determine the role of this variant in disease. Therefore, it has been classified as a Variant of Uncertain Significance. Experimental studies and prediction algorithms are not available or were not evaluated, and the functional significance of this variant is currently unknown. This variant has not been reported in the literature in individuals affected with SPAST-related conditions. This variant results in a copy number gain of the genomic region encompassing exon(s) 8-17 of the SPAST gene. This region includes the termination codon of the gene. This copy number gain extends beyond the assayed region for this gene and therefore may encompass additional genes. As the precise location of this event is unknown, it may be in tandem or it may be located elsewhere in the genome.

NC_000002.11:g.(?_32351997)_(32379565_?)dup

Gene: SPAST (spastin; plus strand). Cytogenetic location: 2p22.3.
Variant type: Duplication.
Identifiers: ClinVar variation 3247327 (VCV003247327.1).